The following is an entry in ClinVar:

NM_001101362.3(KBTBD13):c.212C>A (p.Ala71Glu)

Gene: KBTBD13 (kelch repeat and BTB domain containing 13; plus strand). Cytogenetic location: 15q22.31.
Variant type: single nucleotide variant.
Coding change: c.212C>A on transcript NM_001101362.3 (MANE Select); coding-DNA position 212, C replaced by A.
Protein change: p.Ala71Glu; replaces alanine 71 with glutamic acid.
Molecular consequence: missense variant.
Genome position (GRCh38, 1-based): chr15:65,077,027, C>A. VCF-style: chr15-65077027-C-A. GRCh37 (hg19) VCF-style: chr15-65369365-C-A.
Other names: short protein forms A71E.
Identifiers: ClinVar variation 2671700 (VCV002671700.1), dbSNP rs759104102, ClinGen allele CA7613902.

ClinVar aggregate classification (germline): Uncertain significance (1 of 4 stars; one submission).

Conditions:
Actin accumulation myopathy (CMYO2A). Also called: CONGENITAL MYOPATHY 2A, TYPICAL, AUTOSOMAL DOMINANT; Myopathy, actin, congenital, with cores; Nemaline myopathy 3, with intranuclear rods; Nemaline myopathy type 3; Myopathy, actin, congenital, with excess of thin myofilaments. Identifiers: Orphanet 98904, MedGen C3711389, MONDO:0008070, OMIM 161800.

Allele frequency attached by ClinVar (database versions not stated): ExAC 0.00011.
gnomAD v4.1: 1 of 1,498,390 alleles (0.000067%); highest among the groups gnomAD compares: South Asian, 0.0013%; no homozygotes.

Submission:

Neuberg Centre For Genomic Medicine, NCGM
Classification: Uncertain significance for Actin accumulation myopathy. Last evaluated: 2023-03-01. Review status: criteria provided, single submitter. Criteria: ACMG Guidelines, 2015. Collection method: clinical testing. Allele origin: germline. Inheritance: Autosomal dominant inheritance. Affected: yes.
Comment: The missense variant c.212C>A (p.Ala71Glu) in the KBTBD13 gene has not been reported previously as a pathogenic variant nor as a benign variant, to our knowledge. This variant is reported with the allele frequency (0.0009%) in the gnomAD Exomes and novel (not in any individuals) in 1000 Genomes. The amino acid Alanine at position 71 is changed to a Glutamic Acid changing protein sequence and it might alter its composition and physico-chemical properties. The amino acid change p.Ala71Glu in KBTBD13 is predicted as conserved by GERP++ and PhyloP across 100 vertebrates. For these reasons, this variant has been classified as Uncertain Significance.